The following is an entry in ClinVar:

ClinVar aggregate classification (germline): Likely benign (0 of 4 stars; one submission).

Conditions:
GAPVD1-related disorder. Also called: GAPVD1-related condition.

gnomAD v4.1: 32 of 1,612,610 alleles (0.002%); highest among the groups gnomAD compares: East Asian, 0.065%; no homozygotes.

Submission:

PreventionGenetics, part of Exact Sciences
Classification: Likely benign for GAPVD1-related condition. Last evaluated: 2019-08-09. Review status: no assertion criteria provided. Collection method: clinical testing. Allele origin: germline.
Comment: This variant is classified as likely benign based on ACMG/AMP sequence variant interpretation guidelines (Richards et al. 2015 PMID: 25741868, with internal and published modifications).

NM_001282680.3(GAPVD1):c.2109T>C (p.Thr703=)

Gene: GAPVD1 (GTPase activating protein and VPS9 domains 1; plus strand). Cytogenetic location: 9q33.3.
Variant type: single nucleotide variant.
Coding change: c.2109T>C on transcript NM_001282680.3 (MANE Select); coding-DNA position 2109, T replaced by C.
Protein change: p.Thr703=; no amino-acid change (threonine 703 retained).
Molecular consequence: synonymous variant. On other transcripts: non-coding transcript variant (2).
Genome position (GRCh38, 1-based): chr9:125,330,154, T>C. VCF-style: chr9-125330154-T-C. GRCh37 (hg19) VCF-style: chr9-128092433-T-C.
Other names: c.2109T>C, p.Thr703= (NM_001282679.2, NM_001330778.3, NM_001354294.2 and 6 more transcripts); c.2046T>C, p.Thr682= (NM_001282681.3, NM_001330777.3, NM_001354297.2 and 1 more transcripts).
Identifiers: ClinVar variation 3358512 (VCV003358512.1).